The following is an entry in ClinVar:

ClinVar aggregate classification (germline): Uncertain significance (1 of 4 stars; one submission).

Submission:

Labcorp Genetics (formerly Invitae), Labcorp
Classification: Uncertain significance. Last evaluated: 2023-07-17. Review status: criteria provided, single submitter. Criteria: Invitae Variant Classification Sherloc (09022015). Collection method: clinical testing. Allele origin: germline.
Comment: ClinVar contains an entry for this variant (Variation ID: 1714766). Algorithms developed to predict the effect of missense changes on protein structure and function output the following: SIFT: "Not Available"; PolyPhen-2: "Benign"; Align-GVGD: "Not Available". The asparagine amino acid residue is found in multiple mammalian species, which suggests that this missense change does not adversely affect protein function. In summary, the available evidence is currently insufficient to determine the role of this variant in disease. Therefore, it has been classified as a Variant of Uncertain Significance. This variant has not been reported in the literature in individuals affected with SON-related conditions. This sequence change replaces serine, which is neutral and polar, with asparagine, which is neutral and polar, at codon 1609 of the SON protein (p.Ser1609Asn). This variant is not present in population databases (gnomAD no frequency).

NM_138927.4(SON):c.4826G>A (p.Ser1609Asn)

Gene: SON (SON DNA and RNA binding protein; plus strand). Cytogenetic location: 21q22.11.
Variant type: single nucleotide variant.
Coding change: c.4826G>A on transcript NM_138927.4 (MANE Select); coding-DNA position 4826, G replaced by A.
Protein change: p.Ser1609Asn; replaces serine 1609 with asparagine.
Molecular consequence: missense variant. On other transcripts: non-coding transcript variant (1), intron variant (1).
Genome position (GRCh38, 1-based): chr21:33,554,057, G>A. VCF-style: chr21-33554057-G-A. GRCh37 (hg19) VCF-style: chr21-34926363-G-A.
Other names: c.4826G>A, p.Ser1609Asn (NM_001291411.2, NM_001412133.1, NM_032195.3 and 2 more transcripts); c.245-3099G>A (NM_001291412.3); short protein forms S1609N.
Identifiers: ClinVar variation 1714766 (VCV001714766.5), dbSNP rs2517384715, ClinGen allele CA410163459.